The following is an entry in ClinVar:

NM_000094.4(COL7A1):c.1835C>T (p.Thr612Met)

Gene: COL7A1 (collagen type VII alpha 1 chain; minus strand). Cytogenetic location: 3p21.31.
Variant type: single nucleotide variant.
Coding change: c.1835C>T on transcript NM_000094.4 (MANE Select); coding-DNA position 1835, C replaced by T.
Protein change: p.Thr612Met; replaces threonine 612 with methionine.
Molecular consequence: missense variant.
Genome position (GRCh38, 1-based): chr3:48,590,530, G>A on the plus strand (C>T on the coding strand, the complement: COL7A1 is on the minus strand). VCF-style: chr3-48590530-G-A. GRCh37 (hg19) VCF-style: chr3-48627963-G-A.
Other names: short protein forms T612M.
Identifiers: ClinVar variation 2145843 (VCV002145843.4), dbSNP rs752967088, ClinGen allele CA2381095.

ClinVar aggregate classification (germline): Uncertain significance. Review status: criteria provided, multiple submitters, no conflicts (2 of 4 stars). 2 submissions from 2 submitters: Uncertain significance (2). Last evaluated 2024-12-08.

Conditions:
Inborn genetic diseases. Identifiers: MedGen C0950123, MeSH D030342.

Allele frequency attached by ClinVar (database versions not stated): TOPMed below 0.00001; ExAC 0.00001; gnomAD 0.00001; gnomAD exomes 0.00001.
gnomAD v4.1: 18 of 1,613,998 alleles (0.0011%); highest among the groups gnomAD compares: Middle Eastern, 0.016%; 1 homozygote.

Submissions (2):

Ambry Genetics
Classification: Uncertain significance for Inborn genetic diseases. Last evaluated: 2024-12-08. Review status: criteria provided, single submitter. Criteria: Ambry Variant Classification Scheme 2023. Collection method: clinical testing. Allele origin: germline.

Labcorp Genetics (formerly Invitae), Labcorp
Classification: Uncertain significance. Last evaluated: 2024-09-04. Review status: criteria provided, single submitter. Criteria: Invitae Variant Classification Sherloc (09022015). Collection method: clinical testing. Allele origin: germline.
Comment: This sequence change replaces threonine, which is neutral and polar, with methionine, which is neutral and non-polar, at codon 612 of the COL7A1 protein (p.Thr612Met). This variant is present in population databases (rs752967088, gnomAD 0.003%). This variant has not been reported in the literature in individuals affected with COL7A1-related conditions. ClinVar contains an entry for this variant (Variation ID: 2145843). Invitae Evidence Modeling of protein sequence and biophysical properties (such as structural, functional, and spatial information, amino acid conservation, physicochemical variation, residue mobility, and thermodynamic stability) indicates that this missense variant is not expected to disrupt COL7A1 protein function with a negative predictive value of 95%. In summary, the available evidence is currently insufficient to determine the role of this variant in disease. Therefore, it has been classified as a Variant of Uncertain Significance.